The following is an entry in ClinVar:

NM_004329.3(BMPR1A):c.53T>C (p.Ile18Thr)

Gene: BMPR1A (bone morphogenetic protein receptor type 1A; plus strand). Cytogenetic location: 10q23.2.
Variant type: single nucleotide variant.
Coding change: c.53T>C on transcript NM_004329.3 (MANE Select); coding-DNA position 53, T replaced by C.
Protein change: p.Ile18Thr; replaces isoleucine 18 with threonine.
Molecular consequence: missense variant.
Genome position (GRCh38, 1-based): chr10:86,876,071, T>C. VCF-style: chr10-86876071-T-C. GRCh37 (hg19) VCF-style: chr10-88635828-T-C.
Other names: short protein forms I18T.
Identifiers: ClinVar variation 965154 (VCV000965154.12), dbSNP rs745920240, ClinGen allele CA5585411.

ClinVar aggregate classification (germline): Conflicting classifications of pathogenicity. Review status: criteria provided, conflicting classifications (1 of 4 stars). 2 submissions from 2 submitters: Uncertain significance (1); Likely benign (1). Last evaluated 2025-07-27.

Conditions:
Juvenile polyposis syndrome (JPS). Identifiers: Orphanet 2929, MedGen C0345893, MONDO:0017380, OMIM 174900.
Hereditary cancer-predisposing syndrome. Also called: Hereditary neoplastic syndrome; Hereditary Cancer Syndrome; Tumor predisposition; Neoplastic Syndromes, Hereditary. Identifiers: Orphanet 140162, MedGen C0027672, MeSH D009386, MONDO:0015356.

Allele frequency attached by ClinVar (database versions not stated): gnomAD exomes 0.00001 and 0.00002; ExAC 0.00003.
gnomAD v4.1: 7 of 1,611,034 alleles (0.00043%); highest among the groups gnomAD compares: South Asian, 0.0077%; no homozygotes.

Submissions (2):

Labcorp Genetics (formerly Invitae), Labcorp
Classification: Uncertain significance for Juvenile polyposis syndrome. Last evaluated: 2025-07-27. Review status: criteria provided, single submitter. Criteria: Invitae Variant Classification Sherloc (09022015). Collection method: clinical testing. Allele origin: germline.
Comment: This sequence change replaces isoleucine, which is neutral and non-polar, with threonine, which is neutral and polar, at codon 18 of the BMPR1A protein (p.Ile18Thr). This variant is present in population databases (rs745920240, gnomAD 0.02%). This variant has not been reported in the literature in individuals affected with BMPR1A-related conditions. ClinVar contains an entry for this variant (Variation ID: 965154). Invitae Evidence Modeling incorporating data from in vitro experimental studies (internal data) indicates that this missense variant is not expected to disrupt BMPR1A function with a negative predictive value of 95%. In summary, the available evidence is currently insufficient to determine the role of this variant in disease. Therefore, it has been classified as a Variant of Uncertain Significance.

Ambry Genetics
Classification: Likely benign for Hereditary cancer-predisposing syndrome. Last evaluated: 2022-03-07. Review status: criteria provided, single submitter. Criteria: Ambry Variant Classification Scheme 2023. Collection method: clinical testing. Allele origin: germline.